The following is an entry in ClinVar:

NM_006445.4(PRPF8):c.265T>C (p.Leu89=)

Gene: PRPF8 (pre-mRNA processing factor 8; minus strand). Cytogenetic location: 17p13.3.
Variant type: single nucleotide variant.
Coding change: c.265T>C on transcript NM_006445.4 (MANE Select); coding-DNA position 265, T replaced by C.
Protein change: p.Leu89=; no amino-acid change (leucine 89 retained).
Molecular consequence: synonymous variant.
Genome position (GRCh38, 1-based): chr17:1,683,537, A>G on the plus strand (T>C on the coding strand, the complement: PRPF8 is on the minus strand). VCF-style: chr17-1683537-A-G. GRCh37 (hg19) VCF-style: chr17-1586831-A-G.
Other names: c.265T>C (NM_006445.3).
Identifiers: ClinVar variation 1151653 (VCV001151653.10), dbSNP rs374170354, ClinGen allele CA8272688.
Genomic context (GRCh38, chr17:1,683,537, plus strand): 5'-AGGGAGAAGGGAAAAGGGCCAAATTCCAAATGAAATTATTTCAGGATGTTCCTTACCCCA[A>G]GTAAACCCTTTTGTCATGGCGGAACTTCCTGTTGGTCATGTCTCCATGGTCTCGAATGAT-3'
Protein context (NP_006436.3, residues 79-99): RKFRHDKRVY[Leu89=]GALKYMPHAV

ClinVar aggregate classification (germline): Likely benign. Review status: criteria provided, multiple submitters, no conflicts (2 of 4 stars). 3 submissions from 3 submitters: Likely benign (2). 1 of the submissions does not count toward it. Last evaluated 2024-02-13.

Conditions:
PRPF8-related disorder. Also called: PRPF8-related condition.

Allele frequency attached by ClinVar (database versions not stated): gnomAD 0.00001; ExAC 0.00003; gnomAD exomes 0.00003; TOPMed 0.00004; ESP Exome Variant Server 0.00008.
gnomAD v4.1: 44 of 1,614,084 alleles (0.0027%); highest among the groups gnomAD compares: Middle Eastern, 0.016%; 1 homozygote.

Submissions (3):

Blueprint Genetics
Classification: Likely benign. Last evaluated: 2024-02-13. Review status: criteria provided, single submitter. Criteria: ACMG Guidelines, 2015. Collection method: clinical testing. Allele origin: germline.

Labcorp Genetics (formerly Invitae), Labcorp
Classification: Likely benign. Last evaluated: 2023-08-17. Review status: criteria provided, single submitter. Criteria: Invitae Variant Classification Sherloc (09022015). Collection method: clinical testing. Allele origin: germline.

PreventionGenetics, part of Exact Sciences
Classification: Likely benign for PRPF8-related condition. Last evaluated: 2019-08-15. Review status: no assertion criteria provided. Collection method: clinical testing. Allele origin: germline. Not counted in ClinVar's aggregate classification.
Comment: This variant is classified as likely benign based on ACMG/AMP sequence variant interpretation guidelines (Richards et al. 2015 PMID: 25741868, with internal and published modifications).